The following is an entry in ClinVar:

ClinVar aggregate classification (germline): Uncertain significance (1 of 4 stars; one submission).

Conditions:
Citrullinemia. Identifiers: Orphanet 187, MedGen C0175683, MONDO:0015991.

gnomAD v4.1: 3 of 1,614,074 alleles (0.00019%); highest among the groups gnomAD compares: African/African-American, 0.0027%; no homozygotes.

Submission:

Labcorp Genetics (formerly Invitae), Labcorp
Classification: Uncertain significance for Citrullinemia. Last evaluated: 2022-04-25. Review status: criteria provided, single submitter. Criteria: Invitae Variant Classification Sherloc (09022015). Collection method: clinical testing. Allele origin: germline.
Comment: This sequence change replaces alanine, which is neutral and non-polar, with threonine, which is neutral and polar, at codon 216 of the ASS1 protein (p.Ala216Thr). This variant is not present in population databases (gnomAD no frequency). This variant has not been reported in the literature in individuals affected with ASS1-related conditions. Algorithms developed to predict the effect of missense changes on protein structure and function output the following: SIFT: "Deleterious"; PolyPhen-2: "Benign"; Align-GVGD: "Class C0". The threonine amino acid residue is found in multiple mammalian species, which suggests that this missense change does not adversely affect protein function. In summary, the available evidence is currently insufficient to determine the role of this variant in disease. Therefore, it has been classified as a Variant of Uncertain Significance.

NM_054012.4(ASS1):c.646G>A (p.Ala216Thr)

Gene: ASS1 (argininosuccinate synthase 1; plus strand). Cytogenetic location: 9q34.11.
Variant type: single nucleotide variant.
Coding change: c.646G>A on transcript NM_054012.4 (MANE Select); coding-DNA position 646, G replaced by A.
Protein change: p.Ala216Thr; replaces alanine 216 with threonine.
Molecular consequence: missense variant.
Genome position (GRCh38, 1-based): chr9:130,476,919, G>A. VCF-style: chr9-130476919-G-A. GRCh37 (hg19) VCF-style: chr9-133352306-G-A.
Other names: c.646G>A, p.Ala216Thr (NM_000050.4); short protein forms A216T.
Identifiers: ClinVar variation 2128634 (VCV002128634.1), dbSNP rs1156471881, ClinGen allele CA375228470.